The following is an entry in ClinVar:

ClinVar aggregate classification (germline): Uncertain significance. Review status: criteria provided, multiple submitters, no conflicts (2 of 4 stars). 2 submissions from 2 submitters: Uncertain significance (2). Last evaluated 2025-03-02.

Allele frequency attached by ClinVar (database versions not stated): gnomAD 0.00001.
gnomAD v4.1: 2 of 1,596,138 alleles (0.00013%); highest among the groups gnomAD compares: Admixed American, 0.0035%; no homozygotes.

Submissions (2):

Ambry Genetics
Classification: Uncertain significance. Last evaluated: 2025-03-02. Review status: criteria provided, single submitter. Criteria: Ambry Variant Classification Scheme 2023. Collection method: clinical testing. Allele origin: germline.
Comment: The p.L447V variant (also known as c.1339C>G), located in coding exon 10 of the RINT1 gene, results from a C to G substitution at nucleotide position 1339. The leucine at codon 447 is replaced by valine, an amino acid with highly similar properties. This amino acid position is well conserved in available vertebrate species. In addition, this alteration is predicted to be tolerated by in silico analysis. Since supporting evidence is limited at this time, the clinical significance of this alteration remains unclear.

Labcorp Genetics (formerly Invitae), Labcorp
Classification: Uncertain significance. Last evaluated: 2022-11-04. Review status: criteria provided, single submitter. Criteria: Invitae Variant Classification Sherloc (09022015). Collection method: clinical testing. Allele origin: germline.
Comment: In summary, the available evidence is currently insufficient to determine the role of this variant in disease. Therefore, it has been classified as a Variant of Uncertain Significance. Algorithms developed to predict the effect of missense changes on protein structure and function (SIFT, PolyPhen-2, Align-GVGD) all suggest that this variant is likely to be tolerated. ClinVar contains an entry for this variant (Variation ID: 1448406). This variant has not been reported in the literature in individuals affected with RINT1-related conditions. This variant is not present in population databases (gnomAD no frequency). This sequence change replaces leucine, which is neutral and non-polar, with valine, which is neutral and non-polar, at codon 447 of the RINT1 protein (p.Leu447Val).

NM_021930.6(RINT1):c.1339C>G (p.Leu447Val)

Gene: RINT1 (RAD50 interactor 1; plus strand). Cytogenetic location: 7q22.3.
Variant type: single nucleotide variant.
Coding change: c.1339C>G on transcript NM_021930.6 (MANE Select); coding-DNA position 1339, C replaced by G.
Protein change: p.Leu447Val; replaces leucine 447 with valine.
Molecular consequence: missense variant. On other transcripts: non-coding transcript variant (1).
Genome position (GRCh38, 1-based): chr7:105,551,575, C>G. VCF-style: chr7-105551575-C-G. GRCh37 (hg19) VCF-style: chr7-105192022-C-G.
Other names: c.1105C>G, p.Leu369Val (NM_001346599.2); c.316C>G, p.Leu106Val (NM_001346600.2, NM_001346603.2); c.415C>G, p.Leu139Val (NM_001346601.2); short protein forms L447V, L106V, L369V, L139V.
Identifiers: ClinVar variation 1448406 (VCV001448406.11), dbSNP rs1562851056, ClinGen allele CA368809602.